The following is an entry in ClinVar:

ClinVar aggregate classification (germline): Uncertain significance. Review status: criteria provided, multiple submitters, no conflicts (2 of 4 stars). 2 submissions from 2 submitters: Uncertain significance (2). Last evaluated 2026-04-01.

Allele frequency attached by ClinVar (database versions not stated): gnomAD exomes 0.00002.
gnomAD v4.1: 28 of 1,610,694 alleles (0.0017%); highest among the groups gnomAD compares: Middle Eastern, 0.43%; no homozygotes.

Submissions (2):

CeGaT Center for Human Genetics Tuebingen
Classification: Uncertain significance. Last evaluated: 2026-04-01. Review status: criteria provided, single submitter. Criteria: CeGaT Center For Human Genetics Tuebingen Variant Classification Criteria Version 2. Collection method: clinical testing. Allele origin: germline. Affected: yes. Observed: 1 variant allele.
Comment: ITPR1: PM2, PP3

Labcorp Genetics (formerly Invitae), Labcorp
Classification: Uncertain significance. Last evaluated: 2025-07-30. Review status: criteria provided, single submitter. Criteria: Invitae Variant Classification Sherloc (09022015). Collection method: clinical testing. Allele origin: germline.
Comment: This sequence change replaces serine, which is neutral and polar, with asparagine, which is neutral and polar, at codon 695 of the ITPR1 protein (p.Ser695Asn). The frequency data for this variant in the population databases is considered unreliable, as metrics indicate poor data quality at this position in the gnomAD database. This variant has not been reported in the literature in individuals affected with ITPR1-related conditions. ClinVar contains an entry for this variant (Variation ID: 2082847). Invitae Evidence Modeling of protein sequence and biophysical properties (such as structural, functional, and spatial information, amino acid conservation, physicochemical variation, residue mobility, and thermodynamic stability) indicates that this missense variant is not expected to disrupt ITPR1 protein function with a negative predictive value of 95%. In summary, the available evidence is currently insufficient to determine the role of this variant in disease. Therefore, it has been classified as a Variant of Uncertain Significance.

NM_001378452.1(ITPR1):c.2129G>A (p.Ser710Asn)

Gene: ITPR1 (inositol 1,4,5-trisphosphate receptor type 1; plus strand). Cytogenetic location: 3p26.1.
Variant type: single nucleotide variant.
Coding change: c.2129G>A on transcript NM_001378452.1 (MANE Select); coding-DNA position 2129, G replaced by A.
Protein change: p.Ser710Asn; replaces serine 710 with asparagine.
Molecular consequence: missense variant.
Genome position (GRCh38, 1-based): chr3:4,670,851, G>A. VCF-style: chr3-4670851-G-A. GRCh37 (hg19) VCF-style: chr3-4712535-G-A.
Other names: c.2129G>A, p.Ser710Asn (NM_001099952.4); c.2084G>A, p.Ser695Asn (NM_001168272.2, NM_002222.7); short protein forms S695N, S710N.
Identifiers: ClinVar variation 2082847 (VCV002082847.5), dbSNP rs868512760, ClinGen allele CA68820130.
Genomic context (GRCh38, chr3:4,670,851, plus strand): 5'-CAGGAGAAGACGAGGAAGAGGTGTGGCTGTTTTGGAGGGACAGCAACAAAGAGATTCGCA[G>A]CAAGAGTGTGAGGGAATTGGCTCAGGATGCTAAAGAAGGGCAGAAGGAGGACCGAGACGT-3'
Protein context (NP_001365381.1, residues 700-720): FWRDSNKEIR[Ser710Asn]KSVRELAQDA